The following is an entry in ClinVar:

NM_000441.2(SLC26A4):c.1541A>G (p.Gln514Arg)

Gene: SLC26A4 (solute carrier family 26 member 4; plus strand). Cytogenetic location: 7q22.3.
Variant type: single nucleotide variant.
Coding change: c.1541A>G on transcript NM_000441.2 (MANE Select); coding-DNA position 1541, A replaced by G.
Protein change: p.Gln514Arg; replaces glutamine 514 with arginine.
Molecular consequence: missense variant.
Genome position (GRCh38, 1-based): chr7:107,696,036, A>G. VCF-style: chr7-107696036-A-G. GRCh37 (hg19) VCF-style: chr7-107336481-A-G.
Other names: short protein forms Q514R.
Identifiers: ClinVar variation 43511 (VCV000043511.36), dbSNP rs111033316, ClinGen allele CA261414.

ClinVar aggregate classification (germline): Pathogenic. Review status: criteria provided, multiple submitters, no conflicts (2 of 4 stars). 11 submissions from 11 submitters: Pathogenic (9). 2 of the submissions do not count toward it. Last evaluated 2026-08-27.

Conditions:
SLC26A4-related disorder. Also called: SLC26A4-related disorders; SLC26A4-related condition.
Rare genetic deafness. Identifiers: Orphanet 96210, MedGen C5680250.
Pendred syndrome (PDS). Also called: Pendred's syndrome; THYROID DYSHORMONOGENESIS 2B; THYROID HORMONOGENESIS, GENETIC DEFECT IN, 2B; Pendred Syndrome (PDS); DEAFNESS WITH GOITER; GOITER-DEAFNESS SYNDROME. Identifiers: Orphanet 705, MedGen C0271829, MONDO:0010134, OMIM 274600.
Autosomal recessive nonsyndromic hearing loss 4 (DFNB4). Also called: Deafness, autosomal recessive 4, with enlarged vestibular aqueduct; Enlarged vestibular aqueduct, digenic; Nonsyndromic enlarged vestibular aqueduct (NSEVA); FOXI1-Related Pendred Syndrome; KCNJ10-Related Pendred Syndrome; DEAFNESS, AUTOSOMAL RECESSIVE 4, WITH ENLARGED VESTIBULAR AQUEDUCT, DIGENIC. Identifiers: Orphanet 90636, MedGen C3538946, MONDO:0010933, OMIM 600791.

Allele frequency attached by ClinVar (database versions not stated): TOPMed 0.00003; ExAC 0.00004; gnomAD 0.00006; gnomAD exomes 0.00006 and 0.00010; ESP Exome Variant Server 0.00008.
gnomAD v4.1: 142 of 1,560,768 alleles (0.0091%); highest among the groups gnomAD compares: Non-Finnish European, 0.012%; no homozygotes.

Submissions (11):

PreventionGenetics, part of Exact Sciences
Classification: Pathogenic for SLC26A4-related condition. Last evaluated: 2026-08-27. Review status: criteria provided, single submitter. Criteria: ACMG Guidelines, 2015. Collection method: clinical testing. Allele origin: germline.
Comment: The SLC26A4 c.1541A>G variant is predicted to result in the amino acid substitution p.Gln514Arg. This variant has been reported as causative for Pendred syndrome (Pryor et al 2005. PubMed ID: 15689455; Choi et al 2009. PubMed ID: 19204907; Table S3, Sloan-Heggen et al 2016. PubMed ID: 26969326; Soh et al 2014. PubMed ID: 25394566). This variant is reported in 0.012% of alleles in individuals of European (Non-Finnish) descent in gnomAD. This variant is interpreted as pathogenic.

Natera, Inc.
Classification: Pathogenic for Pendred syndrome. Last evaluated: 2025-12-12. Review status: criteria provided, single submitter. Criteria: Natera Variant Classification Schema (03/2026). Collection method: clinical testing. Allele origin: germline.
Comment: The c.1541A>G variant in SLC26A4 is a missense variant predicted to cause substitution of glutamine to arginine at amino acid 514. This variant is rare in the general population with a frequency below the threshold expected for the associated phenotype(s). This variant has been observed in one or more individuals affected with the associated recessive disease, as either homozygous or compound heterozygous with a second variant (PMID: 25394566). Computational prediction algorithms indicate this variant is likely to affect gene or protein function. Given the available evidence, this variant is classified as Pathogenic.

GeneDx
Classification: Pathogenic. Last evaluated: 2025-09-10. Review status: criteria provided, single submitter. Criteria: GeneDx Variant Classification Process June 2021. Collection method: clinical testing. Allele origin: germline. Affected: yes.
Comment: Published functional studies demonstrate mislocalization of the SLC26A4 protein, however the effect on ion transport was not assessed (PMID: 19204907); In silico analysis supports that this missense variant has a deleterious effect on protein structure/function; This variant is associated with the following publications: (PMID: 33199029, 23555729, 26969326, 25394566, 19318451, 15689455, 19204907, 34515852, 38426810, 19620588, 39846246)

Labcorp Genetics (formerly Invitae), Labcorp
Classification: Pathogenic. Last evaluated: 2024-08-23. Review status: criteria provided, single submitter. Criteria: Invitae Variant Classification Sherloc (09022015). Collection method: clinical testing. Allele origin: germline.
Comment: This sequence change replaces glutamine, which is neutral and polar, with arginine, which is basic and polar, at codon 514 of the SLC26A4 protein (p.Gln514Arg). This variant is present in population databases (rs111033316, gnomAD 0.01%). This missense change has been observed in individuals with Pendred syndrome (PMID: 15689455, 25394566, 26969326). ClinVar contains an entry for this variant (Variation ID: 43511). Invitae Evidence Modeling of protein sequence and biophysical properties (such as structural, functional, and spatial information, amino acid conservation, physicochemical variation, residue mobility, and thermodynamic stability) indicates that this missense variant is expected to disrupt SLC26A4 protein function with a positive predictive value of 95%. Experimental studies have shown that this missense change affects SLC26A4 function (PMID: 19204907). This variant disrupts the p.Gln514 amino acid residue in SLC26A4. Other variant(s) that disrupt this residue have been determined to be pathogenic (PMID: 18285825, 19017801). This suggests that this residue is clinically significant, and that variants that disrupt this residue are likely to be disease-causing. For these reasons, this variant has been classified as Pathogenic.

Baylor Genetics
Classification: Pathogenic for Autosomal recessive nonsyndromic hearing loss 4. Last evaluated: 2024-03-15. Review status: criteria provided, single submitter. Criteria: ACMG Guidelines, 2015. Collection method: clinical testing. Allele origin: unknown.

Fulgent Genetics
Classification: Pathogenic for Pendred syndrome; Autosomal recessive nonsyndromic hearing loss 4. Last evaluated: 2024-01-11. Review status: criteria provided, single submitter. Criteria: ACMG Guidelines, 2015. Collection method: clinical testing. Allele origin: germline.

Blueprint Genetics
Classification: Pathogenic for SLC26A4-related disorders. Last evaluated: 2022-07-11. Review status: criteria provided, single submitter. Criteria: ACMG Guidelines, 2015. Collection method: clinical testing. Allele origin: germline. Affected: yes. Observed: 2 variant alleles.

Genome-Nilou Lab
Classification: Pathogenic for Pendred syndrome. Last evaluated: 2021-09-05. Review status: criteria provided, single submitter. Criteria: ACMG Guidelines, 2015. Collection method: clinical testing. Allele origin: germline. Affected: no.

ARUP Laboratories, Molecular Genetics and Genomics, ARUP Laboratories
Classification: Pathogenic. Last evaluated: 2017-03-02. Review status: criteria provided, single submitter. Criteria: ARUP Molecular Germline Variant Investigation Process. Collection method: clinical testing. Allele origin: germline.

Counsyl
Classification: Likely pathogenic for Pendred syndrome. Last evaluated: 2017-04-12. Review status: no assertion criteria provided. Collection method: clinical testing. Allele origin: unknown. Not counted in ClinVar's aggregate classification.

Laboratory for Molecular Medicine, Mass General Brigham Personalized Medicine
Classification: Likely pathogenic for Rare genetic deafness. Last evaluated: 2009-06-03. Review status: no assertion criteria provided. Collection method: clinical testing. Allele origin: germline. Observed: 1 variant allele. Not counted in ClinVar's aggregate classification.

Literature cited by the submitters: PubMed 25394566 (cited by 3 submitters); PubMed 15689455 (cited by Labcorp Genetics (formerly Invitae), Labcorp and Laboratory for Molecular Medicine, Mass General Brigham Personalized Medicine); PubMed 26969326 (cited by Labcorp Genetics (formerly Invitae), Labcorp and Counsyl); PubMed 19204907 (cited by 3 submitters); PubMed 18285825 (cited by Labcorp Genetics (formerly Invitae), Labcorp); PubMed 19017801 (cited by Labcorp Genetics (formerly Invitae), Labcorp); PubMed 23555729 (cited by Counsyl); PubMed 19318451 (cited by Counsyl).